The following is an entry in ClinVar:

ClinVar aggregate classification (germline): Likely pathogenic (1 of 4 stars; one submission).

Conditions:
Familial thoracic aortic aneurysm and aortic dissection (TAAD). Also called: Thoracic aortic aneurysms and dissections. Identifiers: Orphanet 91387, MedGen C4707243, MONDO:0019625.

Submission:

Ambry Genetics
Classification: Likely pathogenic for Familial thoracic aortic aneurysm and aortic dissection. Last evaluated: 2021-05-03. Review status: criteria provided, single submitter. Criteria: Ambry Variant Classification Scheme 2023. Collection method: clinical testing. Allele origin: germline.
Comment: The p.C792F variant (also known as c.2375G>T), located in coding exon 19 of the FBN1 gene, results from a G to T substitution at nucleotide position 2375. The cysteine at codon 792 is replaced by phenylalanine, an amino acid with highly dissimilar properties, and is located in the cbEGF-like #08 domain. This alteration has been reported as de novo in a subject with bilateral ectopic lentis and skeletal changes (Sheng X et al. J Transl Med, 2015 Jun;13:179). Another alteration affecting the same amino acid, p.C792Y (c.2375G>A), has been reported in association with Marfan syndrome (Arbustini E et al. Hum. Mutat., 2005 Nov;26:494). This variant was not reported in population-based cohorts in the Genome Aggregation Database (gnomAD). Based on internal structural assessment, this alteration eliminates a structurally critical disulfide in the structurally sensitive EGF/cbEGF domain #08.The majority of FBN1 mutations identified to date have involved the substitution or generation of cysteine residues within cbEGF domains (Vollbrandt T et al. J Biol Chem. 2004;279(31):32924-32931). This amino acid position is highly conserved in available vertebrate species. In addition, this alteration is predicted to be deleterious by in silico analysis. Based on the majority of available evidence to date, this variant is likely to be pathogenic.

Literature cited by the submitters: PubMed 16222657; PubMed 26040324.

NM_000138.5(FBN1):c.2375G>T (p.Cys792Phe)

Gene: FBN1 (fibrillin 1; minus strand). Cytogenetic location: 15q21.1.
Variant type: single nucleotide variant.
Coding change: c.2375G>T on transcript NM_000138.5 (MANE Select); coding-DNA position 2375, G replaced by T.
Protein change: p.Cys792Phe; replaces cysteine 792 with phenylalanine.
Molecular consequence: missense variant.
Genome position (GRCh38, 1-based): chr15:48,496,144, C>A on the plus strand (G>T on the coding strand, the complement: FBN1 is on the minus strand). VCF-style: chr15-48496144-C-A. GRCh37 (hg19) VCF-style: chr15-48788341-C-A.
Other names: short protein forms C792F.
Identifiers: ClinVar variation 263937 (VCV000263937.5), dbSNP rs886038984, ClinGen allele CA10587848.